The following is an entry in ClinVar:

NM_000179.3(MSH6):c.1923A>G (p.Glu641=)

Gene: MSH6 (mutS homolog 6; plus strand). Cytogenetic location: 2p16.3.
Variant type: single nucleotide variant.
Coding change: c.1923A>G on transcript NM_000179.3 (MANE Select); coding-DNA position 1923, A replaced by G.
Protein change: p.Glu641=; no amino-acid change (glutamic acid 641 retained).
Molecular consequence: synonymous variant.
Genome position (GRCh38, 1-based): chr2:47,799,906, A>G. VCF-style: chr2-47799906-A-G. GRCh37 (hg19) VCF-style: chr2-48027045-A-G.
Other names: c.1533A>G, p.Glu511= (NM_001281492.2); c.1017A>G, p.Glu339= (NM_001281493.2, NM_001281494.2).
Identifiers: ClinVar variation 388929 (VCV000388929.14), dbSNP rs1057523276, ClinGen allele CA16604317.
Genomic context (GRCh38, chr2:47,799,906, plus strand): 5'-GATACCCGGCTCCCAGTTTTGGGATGCATCCAAAACTTTGAGAACTCTCCTTGAGGAAGA[A>G]TATTTTAGGGAAAAGCTAAGTGATGGCATTGGGGTGATGTTACCCCAGGTGCTTAAAGGT-3'
Protein context (NP_000170.1, residues 631-651): SKTLRTLLEE[Glu641=]YFREKLSDGI

ClinVar aggregate classification (germline): Benign/Likely benign. Review status: criteria provided, multiple submitters, no conflicts (2 of 4 stars). 5 submissions from 5 submitters: Benign (1); Likely benign (4). Last evaluated 2025-09-29.

Conditions:
Hereditary cancer-predisposing syndrome. Also called: Hereditary Cancer Syndrome; Hereditary neoplastic syndrome; Neoplastic Syndromes, Hereditary; Tumor predisposition. Identifiers: Orphanet 140162, MedGen C0027672, MeSH D009386, MONDO:0015356.
Hereditary nonpolyposis colorectal neoplasms. Identifiers: MedGen C0009405, MeSH D003123.
Lynch syndrome 5 (LYNCH5). Also called: Hereditary non-polyposis colorectal cancer, type 5; Colorectal cancer, hereditary nonpolyposis, type 5. Identifiers: Orphanet 144, MedGen C1833477, MONDO:0013710, OMIM 614350. Disease mechanism: loss of function.

Submissions (5):

Color Diagnostics, LLC DBA Color Health
Classification: Likely benign for Hereditary cancer-predisposing syndrome. Last evaluated: 2025-09-29. Review status: criteria provided, single submitter. Criteria: ACMG Guidelines, 2015. Collection method: clinical testing. Allele origin: germline.

Myriad Genetics, Inc.
Classification: Benign for Lynch syndrome 5. Last evaluated: 2024-12-30. Review status: criteria provided, single submitter. Criteria: Myriad Autosomal Dominant, Autosomal Recessive and X-Linked Classification Criteria (2023). Collection method: clinical testing. Allele origin: unknown.
Comment: This variant is considered benign. This variant is a silent/synonymous amino acid change and it is not expected to impact splicing.

Labcorp Genetics (formerly Invitae), Labcorp
Classification: Likely benign for Hereditary nonpolyposis colorectal neoplasms. Last evaluated: 2020-10-14. Review status: criteria provided, single submitter. Criteria: Invitae Variant Classification Sherloc (09022015). Collection method: clinical testing. Allele origin: germline.

Ambry Genetics
Classification: Likely benign for Hereditary cancer-predisposing syndrome. Last evaluated: 2020-02-11. Review status: criteria provided, single submitter. Criteria: Ambry Variant Classification Scheme 2023. Collection method: clinical testing. Allele origin: germline.

GeneDx
Classification: Likely benign. Last evaluated: 2016-08-25. Review status: criteria provided, single submitter. Criteria: GeneDx Variant Classification (06012015). Collection method: clinical testing. Allele origin: germline. Affected: yes.
Comment: This variant is considered likely benign or benign based on one or more of the following criteria: it is a conservative change, it occurs at a poorly conserved position in the protein, it is predicted to be benign by multiple in silico algorithms, and/or has population frequency not consistent with disease.